The following is an entry in ClinVar:

ClinVar aggregate classification (germline): Pathogenic (1 of 4 stars; one submission).

Conditions:
Familial focal epilepsy with variable foci (FPEVF). Identifiers: Orphanet 98820, MedGen C1858477, MONDO:0020310.

Submission:

Labcorp Genetics (formerly Invitae), Labcorp
Classification: Pathogenic for Familial focal epilepsy with variable foci. Last evaluated: 2026-01-25. Review status: criteria provided, single submitter. Criteria: Invitae Variant Classification Sherloc (09022015). Collection method: clinical testing. Allele origin: germline.
Comment: This sequence change creates a premature translational stop signal (p.Gly810Alafs*5) in the DEPDC5 gene. It is expected to result in an absent or disrupted protein product. Loss-of-function variants in DEPDC5 are known to be pathogenic (PMID: 23542697, 23542701). This variant is not present in population databases (gnomAD no frequency). This variant has not been reported in the literature in individuals affected with DEPDC5-related conditions. For these reasons, this variant has been classified as Pathogenic.

Literature cited by the submitters: PubMed 23542697; PubMed 23542701.

NM_001242896.3(DEPDC5):c.2429del (p.Gly810fs)

Gene: DEPDC5 (DEP domain containing 5, GATOR1 subcomplex subunit; plus strand). Cytogenetic location: 22q12.3.
Variant type: Deletion.
Coding change: c.2429del on transcript NM_001242896.3 (MANE Select); coding-DNA position 2429, one base deleted (G; older notation c.2429delG).
Protein change: p.Gly810fs; shifts the reading frame from glycine 810.
Molecular consequence: frameshift variant. On other transcripts: non-coding transcript variant (5).
Genome position (GRCh38, 1-based): chr22:31,838,759, G deleted; the last of 3 consecutive G bases (chr22:31,838,757-31,838,759); deleting any one gives the same sequence. VCF-style (leftmost placement, unchanged base first): chr22-31838756-AG-A. GRCh37 (hg19) VCF-style: chr22-32234742-AG-A.
Other names: c.2402del, p.Gly801fs (NM_001136029.4, NM_001369903.1, NM_014662.6); c.2195del, p.Gly732fs (NM_001242897.2, NM_001363854.2, NM_001364319.2); c.2429del, p.Gly810fs (NM_001363852.2, NM_001364318.2, NM_001364320.2); c.2345del, p.Gly782fs (NM_001369901.1, NM_001369902.1); short protein forms G732fs, G782fs, G801fs, G810fs.
Identifiers: ClinVar variation 4713470 (VCV004713470.1).